The following is an entry in ClinVar:

NM_173630.4(RTTN):c.2821G>C (p.Val941Leu)

Gene: RTTN (rotatin; minus strand). Cytogenetic location: 18q22.2.
Variant type: single nucleotide variant.
Coding change: c.2821G>C on transcript NM_173630.4 (MANE Select); coding-DNA position 2821, G replaced by C.
Protein change: p.Val941Leu; replaces valine 941 with leucine.
Molecular consequence: missense variant.
Genome position (GRCh38, 1-based): chr18:70,135,248, C>G on the plus strand (G>C on the coding strand, the complement: RTTN is on the minus strand). VCF-style: chr18-70135248-C-G. GRCh37 (hg19) VCF-style: chr18-67802484-C-G.
Other names: c.85G>C, p.Val29Leu (NM_001318520.2); short protein forms V941L, V29L.
Identifiers: ClinVar variation 2064907 (VCV002064907.27), dbSNP rs199575994, ClinGen allele CA8995750.
Genomic context (GRCh38, chr18:70,135,248, plus strand): 5'-TATCCATTCTCGATACTTCATCAAATAATAGAAGACAAAATAGTGCTCCAACTTCAGTCA[C>G]GACACTACAATCTTCATGAAATATTAAGGAAACTGAATAAAAAGAAGCACAACTTTATGA-3'
Protein context (NP_775901.3, residues 931-951): SLIFHEDCSV[Val941Leu]TEVGALFCLL

ClinVar aggregate classification (germline): Conflicting classifications of pathogenicity. Review status: criteria provided, conflicting classifications (1 of 4 stars). 3 submissions from 3 submitters: Uncertain significance (2); Likely benign (1). Last evaluated 2024-12-09.

Conditions:
Inborn genetic diseases. Identifiers: MedGen C0950123, MeSH D030342.

Allele frequency attached by ClinVar (database versions not stated): 1000 Genomes Project 30x 0.00016; ExAC 0.00030; gnomAD 0.00032; ESP Exome Variant Server 0.00051.
gnomAD v4.1: 749 of 1,545,178 alleles (0.048%); highest among the groups gnomAD compares: Non-Finnish European, 0.059%; no homozygotes.

Submissions (3):

Labcorp Genetics (formerly Invitae), Labcorp
Classification: Uncertain significance. Last evaluated: 2024-12-09. Review status: criteria provided, single submitter. Criteria: Invitae Variant Classification Sherloc (09022015). Collection method: clinical testing. Allele origin: germline.
Comment: This sequence change replaces valine, which is neutral and non-polar, with leucine, which is neutral and non-polar, at codon 941 of the RTTN protein (p.Val941Leu). This variant is present in population databases (rs199575994, gnomAD 0.09%). This variant has not been reported in the literature in individuals affected with RTTN-related conditions. ClinVar contains an entry for this variant (Variation ID: 2064907). Invitae Evidence Modeling of protein sequence and biophysical properties (such as structural, functional, and spatial information, amino acid conservation, physicochemical variation, residue mobility, and thermodynamic stability) indicates that this missense variant is not expected to disrupt RTTN protein function with a negative predictive value of 80%. In summary, the available evidence is currently insufficient to determine the role of this variant in disease. Therefore, it has been classified as a Variant of Uncertain Significance.

CeGaT Center for Human Genetics Tuebingen
Classification: Likely benign. Last evaluated: 2023-02-01. Review status: criteria provided, single submitter. Criteria: CeGaT Center For Human Genetics Tuebingen Variant Classification Criteria Version 2. Collection method: clinical testing. Allele origin: germline. Affected: yes. Observed: 1 variant allele.
Comment: RTTN: BP4

Ambry Genetics
Classification: Uncertain significance for Inborn genetic diseases. Last evaluated: 2022-06-16. Review status: criteria provided, single submitter. Criteria: Ambry Variant Classification Scheme 2023. Collection method: clinical testing. Allele origin: germline.